The following is an entry in ClinVar:

NM_006766.5(KAT6A):c.3655C>G (p.Leu1219Val)

Gene: KAT6A (lysine acetyltransferase 6A; minus strand). Cytogenetic location: 8p11.21.
Variant type: single nucleotide variant.
Coding change: c.3655C>G on transcript NM_006766.5 (MANE Select); coding-DNA position 3655, C replaced by G.
Protein change: p.Leu1219Val; replaces leucine 1219 with valine.
Molecular consequence: missense variant.
Genome position (GRCh38, 1-based): chr8:41,934,565, G>C on the plus strand (C>G on the coding strand, the complement: KAT6A is on the minus strand). VCF-style: chr8-41934565-G-C. GRCh37 (hg19) VCF-style: chr8-41792083-G-C.
Other names: short protein forms L1219V.
Identifiers: ClinVar variation 4771014 (VCV004771014.1).

ClinVar aggregate classification (germline): Uncertain significance (1 of 4 stars; one submission).

Submission:

Labcorp Genetics (formerly Invitae), Labcorp
Classification: Uncertain significance. Last evaluated: 2025-08-09. Review status: criteria provided, single submitter. Criteria: Invitae Variant Classification Sherloc (09022015). Collection method: clinical testing. Allele origin: germline.
Comment: This sequence change replaces leucine, which is neutral and non-polar, with valine, which is neutral and non-polar, at codon 1219 of the KAT6A protein (p.Leu1219Val). This variant is not present in population databases (gnomAD no frequency). This variant has not been reported in the literature in individuals affected with KAT6A-related conditions. Invitae Evidence Modeling of protein sequence and biophysical properties (such as structural, functional, and spatial information, amino acid conservation, physicochemical variation, residue mobility, and thermodynamic stability) indicates that this missense variant is not expected to disrupt KAT6A protein function with a negative predictive value of 95%. In summary, the available evidence is currently insufficient to determine the role of this variant in disease. Therefore, it has been classified as a Variant of Uncertain Significance.